The following is an entry in ClinVar:

NM_130839.5(UBE3A):c.853A>G (p.Ile285Val)

Genes: SNHG14 (small nucleolar RNA host gene 14; plus strand), UBE3A (ubiquitin protein ligase E3A; minus strand). Cytogenetic location: 15q11.2.
Variant type: single nucleotide variant.
Coding change: c.853A>G on transcript NM_130839.5 (MANE Select); coding-DNA position 853, A replaced by G.
Protein change: p.Ile285Val; replaces isoleucine 285 with valine.
Molecular consequence: missense variant. On other transcripts: non-coding transcript variant (1), intron variant (2).
Genome position (GRCh38, 1-based): chr15:25,371,321, T>C on the plus strand (A>G on the coding strand, the complement: UBE3A is on the minus strand). VCF-style: chr15-25371321-T-C. GRCh37 (hg19) VCF-style: chr15-25616468-T-C.
Other names: c.862A>G, p.Ile288Val (NM_000462.5); c.853A>G, p.Ile285Val (NM_001354505.1, NM_001354538.2, NM_001354545.2); c.793A>G, p.Ile265Val (NM_001354506.2, NM_001354507.2, NM_001354508.2 and 17 more transcripts); c.301+4144A>G (NM_001354551.2); c.361+4144A>G (NM_001354550.2); c.676A>G, p.Ile226Val (NM_001354546.2); short protein forms I226V, I265V, I285V, I288V.
Identifiers: ClinVar variation 1008821 (VCV001008821.7), dbSNP rs2080263323, ClinGen allele CA391354928.
Genomic context (GRCh38, chr15:25,371,321, plus strand): 5'-ATGGCAAAGCCATTTCCAGATATTCAGGACTGTGGAGATTTCTATTCTCCATTACGATAA[T>C]GAACAAATTCAGATAATTAGGATCTCGAGAGTATACATTGTGATACGTCAAGTCACATTC-3'
Protein context (NP_570854.1, residues 275-295): SRDPNYLNLF[Ile285Val]IVMENRNLHS

ClinVar aggregate classification (germline): Uncertain significance (1 of 4 stars; one submission).

Conditions:
Angelman syndrome (AS). Also called: HAPPY PUPPET SYNDROME. Identifiers: Orphanet 72, MedGen C0162635, MONDO:0007113, OMIM 105830. Disease mechanism: loss of function. Inheritance: AS is caused by disruption of maternally imprinted UBE3A located within the 15q11.2-q13 Angelman syndrome/Prader-Willi syndrome (AS/PWS) region., imprinting disorder.

Submission:

Labcorp Genetics (formerly Invitae), Labcorp
Classification: Uncertain significance for Angelman syndrome. Last evaluated: 2020-09-09. Review status: criteria provided, single submitter. Criteria: Invitae Variant Classification Sherloc (09022015). Collection method: clinical testing. Allele origin: germline.
Comment: In summary, the available evidence is currently insufficient to determine the role of this variant in disease. Therefore, it has been classified as a Variant of Uncertain Significance. This sequence change replaces isoleucine with valine at codon 265 of the UBE3A protein (p.Ile265Val). The isoleucine residue is highly conserved and there is a small physicochemical difference between isoleucine and valine. This variant is not present in population databases (ExAC no frequency). This variant has not been reported in the literature in individuals with UBE3A-related conditions. Algorithms developed to predict the effect of missense changes on protein structure and function output the following: SIFT: "Not Available"; PolyPhen-2: "Benign"; Align-GVGD: "Not Available". The valine amino acid residue is found in multiple mammalian species, suggesting that this missense change does not adversely affect protein function. These predictions have not been confirmed by published functional studies and their clinical significance is uncertain. This variant disrupts the p.Ile265 amino acid residue in UBE3A. Other variant(s) that disrupt this residue have been determined to be pathogenic (Invitae). This suggests that this residue is clinically significant, and that variants that disrupt this residue are likely to be disease-causing.